The following is an entry in ClinVar:

NM_001083961.2(WDR62):c.4213G>A (p.Glu1405Lys)

Gene: WDR62 (WD repeat domain 62; plus strand). Cytogenetic location: 19q13.12.
Variant type: single nucleotide variant.
Coding change: c.4213G>A on transcript NM_001083961.2 (MANE Select); coding-DNA position 4213, G replaced by A.
Protein change: p.Glu1405Lys; replaces glutamic acid 1405 with lysine.
Molecular consequence: missense variant.
Genome position (GRCh38, 1-based): chr19:36,104,577, G>A. VCF-style: chr19-36104577-G-A. GRCh37 (hg19) VCF-style: chr19-36595479-G-A.
Other names: c.4198G>A, p.Glu1400Lys (NM_001411145.1, NM_173636.5); c.3964G>A, p.Glu1322Lys (NM_001411146.1); c.3862G>A, p.Glu1288Lys (NM_001411147.1); short protein forms E1405K, E1288K, E1322K, E1400K.
Identifiers: ClinVar variation 4634716 (VCV004634716.1).

ClinVar aggregate classification (germline): Uncertain significance (1 of 4 stars; one submission).

Conditions:
Inborn genetic diseases. Identifiers: MedGen C0950123, MeSH D030342.

gnomAD v4.1: 2 of 1,614,046 alleles (0.00012%); highest among the groups gnomAD compares: Non-Finnish European, 0.00017%; no homozygotes.

Submission:

Ambry Genetics
Classification: Uncertain significance for Inborn genetic diseases. Last evaluated: 2025-11-03. Review status: criteria provided, single submitter. Criteria: Ambry Variant Classification Scheme 2023. Collection method: clinical testing. Allele origin: germline.
Comment: The c.4213G>A (p.E1405K) alteration is located in exon 31 (coding exon 31) of the WDR62 gene. This alteration results from a G to A substitution at nucleotide position 4213, causing the glutamic acid (E) at amino acid position 1405 to be replaced by a lysine (K). Based on data from gnomAD, the A allele has an overall frequency of <0.001% (1/251368) total alleles studied. The highest observed frequency was 0.001% (1/113680) of European (non-Finnish) alleles. Based on insufficient or conflicting evidence, the clinical significance of this alteration remains unclear.